The following is an entry in ClinVar:

ClinVar aggregate classification (germline): Uncertain significance. Review status: criteria provided, multiple submitters, no conflicts (2 of 4 stars). 2 submissions from 2 submitters: Uncertain significance (2). Last evaluated 2025-10-02.

Allele frequency attached by ClinVar (database versions not stated): TOPMed 0.00001; gnomAD 0.00009; gnomAD exomes 0.00009; ExAC 0.00014.
gnomAD v4.1: 147 of 1,614,024 alleles (0.0091%); highest among the groups gnomAD compares: Non-Finnish European, 0.0034%; no homozygotes.

Submissions (2):

Labcorp Genetics (formerly Invitae), Labcorp
Classification: Uncertain significance. Last evaluated: 2025-10-02. Review status: criteria provided, single submitter. Criteria: Invitae Variant Classification Sherloc (09022015). Collection method: clinical testing. Allele origin: germline.
Comment: This sequence change replaces valine, which is neutral and non-polar, with alanine, which is neutral and non-polar, at codon 427 of the MYO5A protein (p.Val427Ala). This variant is present in population databases (rs201349993, gnomAD 0.2%). This variant has not been reported in the literature in individuals affected with MYO5A-related conditions. ClinVar contains an entry for this variant (Variation ID: 2047145). Invitae Evidence Modeling of protein sequence and biophysical properties (such as structural, functional, and spatial information, amino acid conservation, physicochemical variation, residue mobility, and thermodynamic stability) indicates that this missense variant is not expected to disrupt MYO5A protein function with a negative predictive value of 80%. In summary, the available evidence is currently insufficient to determine the role of this variant in disease. Therefore, it has been classified as a Variant of Uncertain Significance.

Blueprint Genetics
Classification: Uncertain significance. Last evaluated: 2024-10-17. Review status: criteria provided, single submitter. Criteria: ACMG Guidelines, 2015. Collection method: clinical testing. Allele origin: germline.

NM_001382347.1(MYO5A):c.1280T>C (p.Val427Ala)

Gene: MYO5A (myosin VA; minus strand). Cytogenetic location: 15q21.2.
Variant type: single nucleotide variant.
Coding change: c.1280T>C on transcript NM_001382347.1 (MANE Select); coding-DNA position 1280, T replaced by C.
Protein change: p.Val427Ala; replaces valine 427 with alanine.
Molecular consequence: missense variant.
Genome position (GRCh38, 1-based): chr15:52,397,240, A>G on the plus strand (T>C on the coding strand, the complement: MYO5A is on the minus strand). VCF-style: chr15-52397240-A-G. GRCh37 (hg19) VCF-style: chr15-52689437-A-G.
Other names: c.1280T>C, p.Val427Ala (NM_000259.3, NM_001142495.2, NM_001411135.1); c.1352T>C, p.Val451Ala (NM_001382348.1, NM_001382349.1); short protein forms V451A, V427A.
Identifiers: ClinVar variation 2047145 (VCV002047145.5), dbSNP rs201349993, ClinGen allele CA7569018.